The following continues an entry in ClinVar:

NM_002016.2(FLG):c.2476C>T (p.Arg826Ter)

ClinVar aggregate classification (germline): Conflicting classifications of pathogenicity. Pathogenic (14); Likely pathogenic (3); Uncertain significance (3).

Submissions 12 to 20 of 20:

GeneDx
Classification: Pathogenic. Last evaluated: 2022-01-27. Review status: criteria provided, single submitter. Criteria: GeneDx Variant Classification Process June 2021. Collection method: clinical testing. Allele origin: germline. Affected: yes.
Comment: Nonsense variant in the N-terminus predicted to result in protein truncation or nonsense-mediated mRNA decay,and other loss-of-function variants have been reported downstream in the Human Gene Mutation Database (HGMD); This variant is associated with the following publications: (PMID: 21039602, 29791750, 22407025, 22344438, 28143684, 28407221, 29428354, 31365035, 24920311)

Greenwood Genetic Center Diagnostic Laboratories, Greenwood Genetic Center
Classification: Pathogenic for Ichthyosis vulgaris. Last evaluated: 2021-06-24. Review status: criteria provided, single submitter. Criteria: ACMG Guidelines, 2015. Collection method: clinical testing. Allele origin: germline. Affected: yes.
Comment: PVS1, PS4

New York Genome Center
Classification: Pathogenic for Ichthyosis vulgaris. Last evaluated: 2020-07-17. Review status: criteria provided, single submitter. Criteria: NYGC Assertion Criteria 2020. Collection method: clinical testing. Allele origin: germline. Observed: 1 heterozygote. Study: CSER-NYCKidSeq.
Comment: The heterozygous p.Arg826Ter stop-gained variant identified in the last exon (3 of 3) of the FLG gene creates a premature translation termination codon and is predicted to cause loss of normal protein function either through protein truncation or nonsense-mediated mRNA decay. If the mutated mRNA escapes nonsense-mediated decay and gets translated, the resulting truncated proteinwould lack 80% of the normal filaggrin protein (3,235 of the 4,061 residues). This variant has been reportedin multiple individuals affected with atopic dermatitis and ichthyosis vulgaris [PMID: 21039602; PMID: 24920311; PMID: 29791750]. The variant has 0.002186 allele frequency in the gnomAD(v3) database (312 out of 142,732 heterozygous alleles, 2 homozygotes) which is consistent with the observations of high prevalence and milder phenotypic presentations of this disorder. Based on the available evidence, the heterozygous p.Arg826Ter stop-gained variant identified in the FLG gene is assessed as Pathogenic.

Undiagnosed Diseases Network, NIH
Classification: Pathogenic for Dermatitis, atopic, 2. Last evaluated: 2020-01-14. Review status: criteria provided, single submitter. Criteria: ACMG Guidelines, 2015. Collection method: clinical testing. Allele origin: unknown. Inheritance: Autosomal dominant inheritance. Affected: yes. Observed: 1 variant allele, 1 heterozygote. Study: Undiagnosed Diseases Network (NIH), UDN.

Johns Hopkins Genomics, Johns Hopkins University
Classification: Pathogenic for Ichthyosis vulgaris. Last evaluated: 2019-10-04. Review status: criteria provided, single submitter. Criteria: ACMG Guidelines, 2015. Collection method: clinical testing. Allele origin: germline.
Comment: This nonsense variant is predicted to lead to a premature stop codon (PTC) in the last exon of the gene, likely escaping nonsense-mediated decay and resulting in a truncated protein product. Although the exact function of the C-terminal segment after this PTC is unclear, there are reports of disease-associated nonsense variants located downstream of c.2476C>T. This variant (rs115746363) is present in a large population dataset (gnomAD: 226/282602 total alleles; 0.08%; 2 homozygotes). Mild cases of ichthyosis vulgaris can go undiagnosed or be mistaken for very dry skin, explaining the high frequency in this control population. There are conflicting interpretations of the pathogenicity of this variant in ClinVar. One submitter classified it as pathogenic and one as a variant of uncertain clinical significance. We consider this variant to be pathogenic.

Revvity Omics, Revvity
Classification: Pathogenic for Ichthyosis vulgaris. Last evaluated: 2019-06-17. Review status: criteria provided, single submitter. Criteria: ACMG Guidelines, 2015. Collection method: clinical testing. Allele origin: germline.

Mendelics
Classification: Likely pathogenic for Ichthyosis vulgaris. Last evaluated: 2019-05-28. Review status: criteria provided, single submitter. Criteria: Mendelics Assertion Criteria 2017. Collection method: clinical testing. Allele origin: unknown.

Eurofins Ntd Llc (ga)
Classification: Uncertain significance. Last evaluated: 2017-07-31. Review status: criteria provided, single submitter. Criteria: EGL Classification Definitions 2015. Collection method: clinical testing. Allele origin: germline. Observed: 1 variant allele, 1 heterozygote.

Juno Genomics, Hangzhou Juno Genomics, Inc
Classification: Likely pathogenic for Dermatitis, atopic, 2; Ichthyosis vulgaris. Review status: criteria provided, single submitter. Criteria: ACMG Guidelines, 2015. Collection method: clinical testing. Allele origin: germline.
Comment: Null variant in a gene where loss of function (LOF) is a known mechanism of disease.;The prevalence of the variant in affected individuals is significantly increased compared to the prevalence in controls.

Literature cited by the submitters: PubMed 21039602 (cited by 3 submitters); PubMed 24920311 (cited by 3 submitters); PubMed 29428354 (cited by Pittsburgh Clinical Genomics Laboratory, University of Pittsburgh Medical Center); PubMed 29791750 (cited by Pittsburgh Clinical Genomics Laboratory, University of Pittsburgh Medical Center and New York Genome Center); PubMed 22407025 (cited by Pittsburgh Clinical Genomics Laboratory, University of Pittsburgh Medical Center); PubMed 21428977 (cited by Pittsburgh Clinical Genomics Laboratory, University of Pittsburgh Medical Center); PubMed 17291859 (cited by Victorian Clinical Genetics Services, Murdoch Childrens Research Institute); PubMed 28143684 (cited by Victorian Clinical Genetics Services, Murdoch Childrens Research Institute); PubMed 30681730 (cited by Victorian Clinical Genetics Services, Murdoch Childrens Research Institute).